The following is an entry in ClinVar:

ClinVar aggregate classification (germline): Likely benign (0 of 4 stars; one submission).

Conditions:
CFDP1-related disorder. Also called: CFDP1-related condition.

Allele frequency attached by ClinVar (database versions not stated): gnomAD exomes 0.00005; TOPMed 0.00011; gnomAD 0.00013; ExAC 0.00018; 1000 Genomes Project 30x 0.00062; 1000 Genomes Project 0.00080.
gnomAD v4.1: 112 of 1,614,164 alleles (0.0069%); highest among the groups gnomAD compares: East Asian, 0.17%; no homozygotes.

Submission:

PreventionGenetics, part of Exact Sciences
Classification: Likely benign for CFDP1-related condition. Last evaluated: 2021-02-22. Review status: no assertion criteria provided. Collection method: clinical testing. Allele origin: germline.
Comment: This variant is classified as likely benign based on ACMG/AMP sequence variant interpretation guidelines (Richards et al. 2015 PMID: 25741868, with internal and published modifications).

NM_006324.3(CFDP1):c.270A>G (p.Glu90=)

Gene: CFDP1 (craniofacial development protein 1; minus strand). Cytogenetic location: 16q23.1.
Variant type: single nucleotide variant.
Coding change: c.270A>G on transcript NM_006324.3 (MANE Select); coding-DNA position 270, A replaced by G.
Protein change: p.Glu90=; no amino-acid change (glutamic acid 90 retained).
Molecular consequence: synonymous variant.
Genome position (GRCh38, 1-based): chr16:75,412,667, T>C on the plus strand (A>G on the coding strand, the complement: CFDP1 is on the minus strand). VCF-style: chr16-75412667-T-C. GRCh37 (hg19) VCF-style: chr16-75446565-T-C.
Identifiers: ClinVar variation 3054259 (VCV003054259.2), dbSNP rs370354614, ClinGen allele CA8174890.
Genomic context (GRCh38, chr16:75,412,667, plus strand): 5'-CTCCTTCTTTTTCCTGGCATCCTCTGATCCAATGCCTTTTTCCTGCTCTGCAGCGTCATC[T>C]TCCTCCTCACTACTGCTTCCCTCAGATTCTGAATTGGCATCCTCCTCTTCCTCTTCTTCT-3'
Protein context (NP_006315.1, residues 80-100): SESEGSSSEE[Glu90=]DDAAEQEKGI